The following is an entry in ClinVar:

ClinVar aggregate classification (germline): Uncertain significance. Review status: criteria provided, multiple submitters, no conflicts (2 of 4 stars). 2 submissions from 2 submitters: Uncertain significance (2). Last evaluated 2024-09-12.

Conditions:
Microcephaly-intellectual disability-sensorineural hearing loss-epilepsy-abnormal muscle tone syndrome (NEDHSB). Also called: NEURODEVELOPMENTAL DISORDER WITH HEARING LOSS, SEIZURES, AND BRAIN ABNORMALITIES. Identifiers: Orphanet 457351, MedGen C4225276, MONDO:0014698, OMIM 616577.

Allele frequency attached by ClinVar (database versions not stated): gnomAD exomes below 0.00001 and 0.00001; ExAC 0.00001; TOPMed 0.00002; gnomAD 0.00003.
gnomAD v4.1: 9 of 1,604,058 alleles (0.00056%); highest among the groups gnomAD compares: African/African-American, 0.0094%; no homozygotes.

Submissions (2):

Blueprint Genetics
Classification: Uncertain significance. Last evaluated: 2024-09-12. Review status: criteria provided, single submitter. Criteria: ACMG Guidelines, 2015. Collection method: clinical testing. Allele origin: germline.

Labcorp Genetics (formerly Invitae), Labcorp
Classification: Uncertain significance for Microcephaly-intellectual disability-sensorineural hearing loss-epilepsy-abnormal muscle tone syndrome. Last evaluated: 2023-12-11. Review status: criteria provided, single submitter. Criteria: Invitae Variant Classification Sherloc (09022015). Collection method: clinical testing. Allele origin: germline.
Comment: This sequence change replaces arginine, which is basic and polar, with histidine, which is basic and polar, at codon 436 of the SPATA5 protein (p.Arg436His). This variant is present in population databases (rs758036393, gnomAD 0.007%). This variant has not been reported in the literature in individuals affected with SPATA5-related conditions. ClinVar contains an entry for this variant (Variation ID: 1504785). Advanced modeling of protein sequence and biophysical properties (such as structural, functional, and spatial information, amino acid conservation, physicochemical variation, residue mobility, and thermodynamic stability) has been performed at Invitae for this missense variant, however the output from this modeling did not meet the statistical confidence thresholds required to predict the impact of this variant on SPATA5 protein function. In summary, the available evidence is currently insufficient to determine the role of this variant in disease. Therefore, it has been classified as a Variant of Uncertain Significance.

NM_145207.3(AFG2A):c.1307G>A (p.Arg436His)

Gene: AFG2A (AAA ATPase AFG2A; plus strand). Cytogenetic location: 4q28.1.
Variant type: single nucleotide variant.
Coding change: c.1307G>A on transcript NM_145207.3 (MANE Select); coding-DNA position 1307, G replaced by A.
Protein change: p.Arg436His; replaces arginine 436 with histidine.
Molecular consequence: missense variant.
Genome position (GRCh38, 1-based): chr4:122,936,129, G>A. VCF-style: chr4-122936129-G-A. GRCh37 (hg19) VCF-style: chr4-123857284-G-A.
Other names: c.1304G>A, p.Arg435His (NM_001317799.2, NM_001345856.2); short protein forms R435H, R436H.
Identifiers: ClinVar variation 1504785 (VCV001504785.7), dbSNP rs758036393, ClinGen allele CA3070420.